The following is an entry in ClinVar:

ClinVar aggregate classification (germline): Uncertain significance (1 of 4 stars; one submission).

Submission:

Labcorp Genetics (formerly Invitae), Labcorp
Classification: Uncertain significance. Last evaluated: 2025-03-16. Review status: criteria provided, single submitter. Criteria: Invitae Variant Classification Sherloc (09022015). Collection method: clinical testing. Allele origin: germline.
Comment: This sequence change replaces glutamic acid, which is acidic and polar, with aspartic acid, which is acidic and polar, at codon 189 of the CAMK2B protein (p.Glu189Asp). This variant is not present in population databases (gnomAD no frequency). This variant has not been reported in the literature in individuals affected with CAMK2B-related conditions. An algorithm developed to predict the effect of missense changes on protein structure and function (PolyPhen-2) suggests that this variant is likely to be disruptive. In summary, the available evidence is currently insufficient to determine the role of this variant in disease. Therefore, it has been classified as a Variant of Uncertain Significance.

NM_001220.5(CAMK2B):c.567G>T (p.Glu189Asp)

Gene: CAMK2B (calcium/calmodulin dependent protein kinase II beta; minus strand). Cytogenetic location: 7p13.
Variant type: single nucleotide variant.
Coding change: c.567G>T on transcript NM_001220.5 (MANE Select); coding-DNA position 567, G replaced by T.
Protein change: p.Glu189Asp; replaces glutamic acid 189 with aspartic acid.
Molecular consequence: missense variant.
Genome position (GRCh38, 1-based): chr7:44,243,284, C>A on the plus strand (G>T on the coding strand, the complement: CAMK2B is on the minus strand). VCF-style: chr7-44243284-C-A. GRCh37 (hg19) VCF-style: chr7-44282883-C-A.
Other names: c.567G>T, p.Glu189Asp (NM_001293170.2, NM_172078.3, NM_172079.3 and 5 more transcripts); short protein forms E189D.
Identifiers: ClinVar variation 4715222 (VCV004715222.1).